The following is an entry in ClinVar:

NM_002181.4(IHH):c.689T>G (p.Leu230Arg)

Gene: IHH (Indian hedgehog signaling molecule; minus strand). Cytogenetic location: 2q35.
Variant type: single nucleotide variant.
Coding change: c.689T>G on transcript NM_002181.4 (MANE Select); coding-DNA position 689, T replaced by G.
Protein change: p.Leu230Arg; replaces leucine 230 with arginine.
Molecular consequence: missense variant.
Genome position (GRCh38, 1-based): chr2:219,055,754, A>C on the plus strand (T>G on the coding strand, the complement: IHH is on the minus strand). VCF-style: chr2-219055754-A-C. GRCh37 (hg19) VCF-style: chr2-219920476-A-C.
Other names: short protein forms L230R.
Identifiers: ClinVar variation 4763567 (VCV004763567.1).

ClinVar aggregate classification (germline): Uncertain significance (1 of 4 stars; one submission).

Submission:

Labcorp Genetics (formerly Invitae), Labcorp
Classification: Uncertain significance. Last evaluated: 2025-10-15. Review status: criteria provided, single submitter. Criteria: Invitae Variant Classification Sherloc (09022015). Collection method: clinical testing. Allele origin: germline.
Comment: This sequence change replaces leucine, which is neutral and non-polar, with arginine, which is basic and polar, at codon 230 of the IHH protein (p.Leu230Arg). This variant is not present in population databases (gnomAD no frequency). This variant has not been reported in the literature in individuals affected with IHH-related conditions. Invitae Evidence Modeling of protein sequence and biophysical properties (such as structural, functional, and spatial information, amino acid conservation, physicochemical variation, residue mobility, and thermodynamic stability) indicates that this missense variant is expected to disrupt IHH protein function with a positive predictive value of 80%. In summary, the available evidence is currently insufficient to determine the role of this variant in disease. Therefore, it has been classified as a Variant of Uncertain Significance.